The following is an entry in ClinVar:

NM_000051.4(ATM):c.4816C>G (p.Leu1606Val)

Gene: ATM (ATM serine/threonine kinase; plus strand). Cytogenetic location: 11q22.3.
Variant type: single nucleotide variant.
Coding change: c.4816C>G on transcript NM_000051.4 (MANE Select); coding-DNA position 4816, C replaced by G.
Protein change: p.Leu1606Val; replaces leucine 1606 with valine.
Molecular consequence: missense variant.
Genome position (GRCh38, 1-based): chr11:108,294,966, C>G. VCF-style: chr11-108294966-C-G. GRCh37 (hg19) VCF-style: chr11-108165693-C-G.
Other names: c.4816C>G, p.Leu1606Val (NM_001351834.2); short protein forms L1606V.
Identifiers: ClinVar variation 453539 (VCV000453539.17), dbSNP rs746103632, ClinGen allele CA6265559.

ClinVar aggregate classification (germline): Uncertain significance. Review status: criteria provided, multiple submitters, no conflicts (2 of 4 stars). 6 submissions from 6 submitters: Uncertain significance (5). 1 of the submissions does not count toward it. Last evaluated 2025-12-22.

Conditions:
Familial colorectal cancer type X. Identifiers: Orphanet 440437, MedGen C3896578, MONDO:0018604.
Hereditary cancer-predisposing syndrome. Also called: Tumor predisposition; Hereditary Cancer Syndrome; Neoplastic Syndromes, Hereditary; Hereditary neoplastic syndrome. Identifiers: Orphanet 140162, MedGen C0027672, MeSH D009386, MONDO:0015356.
Ataxia-telangiectasia syndrome (AT). Also called: Cerebello-oculocutaneous telangiectasia; Immunodeficiency with ataxia telangiectasia; Ataxia-telangiectasia, complementation group D; AT, COMPLEMENTATION GROUP C; Ataxia-telangiectasia, complementation group E; LOUIS-BAR SYNDROME. Identifiers: Orphanet 100, MedGen C0004135, MONDO:0008840, OMIM 208900.

Allele frequency attached by ClinVar (database versions not stated): gnomAD exomes below 0.00001 and 0.00001; ExAC 0.00001.
gnomAD v4.1: 2 of 1,613,840 alleles (0.00012%); highest among the groups gnomAD compares: South Asian, 0.0022%; no homozygotes.

Submissions (6):

Labcorp Genetics (formerly Invitae), Labcorp
Classification: Uncertain significance for Ataxia-telangiectasia syndrome. Last evaluated: 2025-12-22. Review status: criteria provided, single submitter. Criteria: Invitae Variant Classification Sherloc (09022015). Collection method: clinical testing. Allele origin: germline.
Comment: This sequence change replaces leucine, which is neutral and non-polar, with valine, which is neutral and non-polar, at codon 1606 of the ATM protein (p.Leu1606Val). This variant is present in population databases (rs746103632, gnomAD 0.01%). This missense change has been observed in individual(s) with breast cancer (PMID: 32885271). ClinVar contains an entry for this variant (Variation ID: 453539). Invitae Evidence Modeling of protein sequence and biophysical properties (such as structural, functional, and spatial information, amino acid conservation, physicochemical variation, residue mobility, and thermodynamic stability) indicates that this missense variant is not expected to disrupt ATM protein function with a negative predictive value of 95%. In summary, the available evidence is currently insufficient to determine the role of this variant in disease. Therefore, it has been classified as a Variant of Uncertain Significance.

Color Diagnostics, LLC DBA Color Health
Classification: Uncertain significance for Hereditary cancer-predisposing syndrome. Last evaluated: 2025-04-07. Review status: criteria provided, single submitter. Criteria: ACMG Guidelines, 2015. Collection method: clinical testing. Allele origin: germline.
Comment: This missense variant replaces leucine with valine at codon 1606 of the ATM protein. Computational prediction suggests that this variant may not impact protein structure and function. To our knowledge, functional studies have not been reported for this variant. This variant has been reported in an individual affected with ovarian cancer (PMID: 32885271). This variant has been identified in 3/251304 chromosomes in the general population by the Genome Aggregation Database (gnomAD). The available evidence is insufficient to determine the role of this variant in disease conclusively. Therefore, this variant is classified as a Variant of Uncertain Significance.

Ambry Genetics
Classification: Uncertain significance for Hereditary cancer-predisposing syndrome. Last evaluated: 2022-03-21. Review status: criteria provided, single submitter. Criteria: Ambry Variant Classification Scheme 2023. Collection method: clinical testing. Allele origin: germline.
Comment: The p.L1606V variant (also known as c.4816C>G), located in coding exon 31 of the ATM gene, results from a C to G substitution at nucleotide position 4816. The leucine at codon 1606 is replaced by valine, an amino acid with highly similar properties. This variant was observed in 1/3251 individuals who met eligibility criteria for hereditary breast and ovarian cancer syndrome. This amino acid position is highly conserved in available vertebrate species. In addition, this alteration is predicted to be tolerated by in silico analysis. Since supporting evidence is limited at this time, the clinical significance of this alteration remains unclear.

Sema4
Classification: Uncertain significance for Hereditary cancer-predisposing syndrome. Last evaluated: 2022-01-06. Review status: criteria provided, single submitter. Criteria: Sema4 Curation Guidelines. Collection method: curation. Allele origin: germline.
Comment: The ATM c.4816C>G (p.L1606V) variant has been reported in heterozygosity in at least 2 individuals with breast cancer (PMID: 33471991, 28779002). This variant was observed in 3/30612 chromosomes in the South Asian population according to the Genome Aggregation Database (PMID: 32461654), and has been reported in ClinVar (Variation ID: 453539). Functional studies have not been performed, and in silico predictions of the variant's effect on protein function are inconclusive. Based on the current evidence available, this variant is interpreted as a variant of uncertain significance.

Department of Pathology and Laboratory Medicine, Sinai Health System
Classification: Uncertain significance for Familial colorectal cancer type X. Last evaluated: 2019-10-23. Review status: criteria provided, single submitter. Criteria: ACMG Guidelines, 2015. Collection method: clinical testing. Allele origin: germline. Affected: yes.

Natera, Inc.
Classification: Uncertain significance for Ataxia-telangiectasia. Last evaluated: 2019-10-28. Review status: no assertion criteria provided. Collection method: clinical testing. Allele origin: germline. Not counted in ClinVar's aggregate classification.

Literature cited by the submitters: PubMed 32885271 (cited by 3 submitters); PubMed 33471991 (cited by Sema4); PubMed 28779002 (cited by Sema4).